The following is an entry in ClinVar:

ClinVar aggregate classification (germline): Uncertain significance (1 of 4 stars; one submission).

Conditions:
Autosomal recessive limb-girdle muscular dystrophy type 2J (LGMDR10). Also called: Limb-girdle muscular dystrophy, type 2J; MUSCULAR DYSTROPHY, LIMB-GIRDLE, AUTOSOMAL RECESSIVE 10. Identifiers: Orphanet 140922, MedGen C1837342, MONDO:0012127, OMIM 608807.
Dilated cardiomyopathy 1G (CMD1G). Identifiers: Orphanet 154, MedGen C1858763, MONDO:0011400, OMIM 604145.

Submission:

Labcorp Genetics (formerly Invitae), Labcorp
Classification: Uncertain significance for Dilated cardiomyopathy 1G; Autosomal recessive limb-girdle muscular dystrophy type 2J. Last evaluated: 2023-11-01. Review status: criteria provided, single submitter. Criteria: Invitae Variant Classification Sherloc (09022015). Collection method: clinical testing. Allele origin: germline.
Comment: This sequence change creates a premature translational stop signal (p.Trp1589*) in the TTN gene. While this is not anticipated to result in nonsense mediated decay, it is expected to create a truncated TTN protein. This variant is not present in population databases (gnomAD no frequency). This variant has not been reported in the literature in individuals affected with TTN-related conditions. This variant is located in the Z band of TTN (PMID: 25589632). Variants in this region may be clinically relevant, but have not been definitively shown to cause cardiomyopathy or neuromuscular disease (PMID: 27493940, 32778822). In summary, the available evidence is currently insufficient to determine the role of this variant in disease. Therefore, it has been classified as a Variant of Uncertain Significance.

Literature cited by the submitters: PubMed 25589632; PubMed 27493940; PubMed 32778822.

NM_001267550.2(TTN):c.4766G>A (p.Trp1589Ter)

Genes: TTN (titin; minus strand), LOC101927055 (uncharacterized LOC101927055; plus strand). Cytogenetic location: 2q31.2.
Variant type: single nucleotide variant.
Coding change: c.4766G>A on transcript NM_001267550.2 (MANE Select); coding-DNA position 4766, G replaced by A.
Protein change: p.Trp1589Ter; replaces tryptophan 1589 with a stop codon.
Molecular consequence: nonsense. On other transcripts: non-coding transcript variant (1).
Genome position (GRCh38, 1-based): chr2:178,777,197, C>T on the plus strand (G>A on the coding strand, the complement: TTN is on the minus strand). VCF-style: chr2-178777197-C-T. GRCh37 (hg19) VCF-style: chr2-179641924-C-T.
Other names: c.4766G>A, p.Trp1589Ter (NM_001256850.1, NM_133378.4, NM_133379.5); c.4628G>A, p.Trp1543Ter (NM_003319.4, NM_133432.3, NM_133437.4); short protein forms W1543*, W1589*.
Identifiers: ClinVar variation 2953473 (VCV002953473.3), dbSNP rs2532926181, ClinGen allele CA349461600.